The following is an entry in ClinVar:

ClinVar aggregate classification (germline): Uncertain significance (1 of 4 stars; one submission).

Submission:

ISCA site 14
Classification: Uncertain significance. Last evaluated: 2011-08-12. Review status: criteria provided, single submitter. Criteria: Kaminsky et al. (Genet Med. 2011). Collection method: clinical testing. Allele origin: unknown. Affected: yes. Observed: 1 variant allele.
Comment: Copy number variation identified through the course of routine clinical cytogenomic testing in postnatal populations. Clinical assertions have been curated as described in Kaminsky et al. 2011.

GRCh38/hg38 14q21.2(chr14:43789977-44393066)x1

Genes: LINC02307 (long intergenic non-protein coding RNA 2307; minus strand), LOC126861930 (CDK7 strongly-dependent group 2 enhancer GRCh37_chr14:44271803-44273002; plus strand), LOC126861931 (P300/CBP strongly-dependent group 1 enhancer GRCh37_chr14:44785502-44786701; plus strand), LOC129390623 (MPRA-validated peak2140 silencer; plus strand), LOC132090214 (Neanderthal introgressed variant-containing enhancer experimental_34015; plus strand) and 1 more. Cytogenetic location: 14q21.2.
Variant type: copy number loss.
Change: copy number 1 (one copy instead of two) of chr14:43,789,977-44,393,066 (603.1 kb, GRCh38 coordinates, 1-based), cytogenetic band 14q21.2.
Identifiers: ClinVar variation 58200 (VCV000058200.1).